The following is an entry in ClinVar:

ClinVar aggregate classification (germline): Uncertain significance (1 of 4 stars; one submission).

Conditions:
DCLRE1C-related disorder. Also called: DCLRE1C-related condition.

Submission:

3billion
Classification: Uncertain significance for DCLRE1C-related disorder. Last evaluated: 2025-11-24. Review status: criteria provided, single submitter. Criteria: ACMG Guidelines, 2015. Collection method: clinical testing. Allele origin: germline. Affected: yes.
Comment: The variant is not observed in the gnomAD v4.1.0 dataset. Predicted Consequence/Location: Missense variant. The majority of the known disease-causing variants of this gene are variants expected to result in premature termination of the protein. In silico tools predict the variant to alter splicing and produce an abnormal transcript [SpliceAI: 0.38 (>=0.2, moderate evidence for spliceogenicity)]. Therefore, this variant is classified as VUS according to the recommendation of ACMG/AMP guideline.

NM_001033855.3(DCLRE1C):c.679G>T (p.Val227Phe)

Gene: DCLRE1C (DNA cross-link repair 1C; minus strand). Cytogenetic location: 10p13.
Variant type: single nucleotide variant.
Coding change: c.679G>T on transcript NM_001033855.3 (MANE Select); coding-DNA position 679, G replaced by T.
Protein change: p.Val227Phe; replaces valine 227 with phenylalanine.
Molecular consequence: missense variant. On other transcripts: non-coding transcript variant (4).
Genome position (GRCh38, 1-based): chr10:14,932,955, C>A on the plus strand (G>T on the coding strand, the complement: DCLRE1C is on the minus strand). VCF-style: chr10-14932955-C-A. GRCh37 (hg19) VCF-style: chr10-14974954-C-A.
Other names: c.319G>T, p.Val107Phe (NM_001033857.3, NM_001033858.3, NM_001289077.2 and 2 more transcripts); c.334G>T, p.Val112Phe (NM_001289076.2, NM_001289078.2, NM_001350966.2 and 1 more transcripts); c.679G>T, p.Val227Phe (NM_001350965.2); short protein forms V107F, V112F, V227F.
Identifiers: ClinVar variation 4854959 (VCV004854959.1).